The following is an entry in ClinVar:

ClinVar aggregate classification (germline): Pathogenic. Review status: criteria provided, multiple submitters, no conflicts (2 of 4 stars). 2 submissions from 2 submitters: Pathogenic (2). Last evaluated 2025-10-13.

Conditions:
Glycogen storage disease, type II (IOPD). Also called: CARDIOMEGALIA GLYCOGENICA DIFFUSA; GLYCOGENOSIS, GENERALIZED, CARDIAC FORM; GSD II; POMPE DISEASE, INFANTILE-ONSET; GLYCOGEN STORAGE DISEASE II, INFANTILE-ONSET; ACID ALPHA-GLUCOSIDASE DEFICIENCY, INFANTILE-ONSET. Identifiers: Orphanet 365, MedGen C0017921, MONDO:0009290, OMIM 232300.

Submissions (2):

Myriad Genetics, Inc.
Classification: Pathogenic for Glycogen storage disease, type II. Last evaluated: 2025-10-13. Review status: criteria provided, single submitter. Criteria: Myriad Autosomal Dominant, Autosomal Recessive and X-Linked Classification Criteria (2023). Collection method: clinical testing. Allele origin: unknown.
Comment: NM_000152.3(GAA):c.520_526del7(E174Rfs*45) is expected to be pathogenic in the context of Pompe disease. This variant is predicted to lead to an abnormal or absent protein product due to the creation of a premature termination codon in GAA, a gene where loss-of-function variants are known to be pathogenic. Please note: this variant was assessed in the context of healthy population screening.

Labcorp Genetics (formerly Invitae), Labcorp
Classification: Pathogenic for Glycogen storage disease, type II. Last evaluated: 2022-10-27. Review status: criteria provided, single submitter. Criteria: Invitae Variant Classification Sherloc (09022015). Collection method: clinical testing. Allele origin: germline.
Comment: This variant has not been reported in the literature in individuals affected with GAA-related conditions. This variant is not present in population databases (gnomAD no frequency). This sequence change creates a premature translational stop signal (p.Glu174Argfs*45) in the GAA gene. It is expected to result in an absent or disrupted protein product. Loss-of-function variants in GAA are known to be pathogenic (PMID: 18425781, 22252923). For these reasons, this variant has been classified as Pathogenic.

Literature cited by the submitters: PubMed 18425781 (cited by Labcorp Genetics (formerly Invitae), Labcorp); PubMed 22252923 (cited by Labcorp Genetics (formerly Invitae), Labcorp).

NM_000152.5(GAA):c.520_526del (p.Glu174fs)

Gene: GAA (alpha glucosidase; plus strand). Cytogenetic location: 17q25.3.
Variant type: Deletion.
Coding change: c.520_526del on transcript NM_000152.5 (MANE Select); coding-DNA positions 520 to 526, 7 bases deleted (GAGACTG; older notation c.520_526delGAGACTG).
Protein change: p.Glu174fs; shifts the reading frame from glutamic acid 174.
Molecular consequence: frameshift variant.
Genome position (GRCh38, 1-based): chr17:80,105,106-80,105,112, GAGACTG deleted; deleting any 7 consecutive bases within chr17:80,105,104-80,105,112 gives the same sequence; the c. name uses the placement nearest the transcript's 3' end. VCF-style (leftmost placement, unchanged base first): chr17-80105103-ATGGAGAC-A. GRCh37 (hg19) VCF-style: chr17-78078902-ATGGAGAC-A.
Other names: c.520_526del, p.Glu174fs (NM_001079803.3, NM_001079804.3, NM_001406741.1 and 1 more transcripts); short protein forms E174fs.
Identifiers: ClinVar variation 2867523 (VCV002867523.4), dbSNP rs2510347530, ClinGen allele CA2739265768.